The following is an entry in ClinVar:

ClinVar aggregate classification (germline): Uncertain significance. Review status: criteria provided, single submitter (1 of 4 stars). 2 submissions from 2 submitters: Uncertain significance (1). 1 of the submissions does not count toward it. Last evaluated 2026-03-19.

Allele frequency attached by ClinVar (database versions not stated): gnomAD exomes 0.00002 and 0.00006; gnomAD 0.00003; TOPMed 0.00003; ExAC 0.00006; ESP Exome Variant Server 0.00008.
gnomAD v4.1: 84 of 1,604,268 alleles (0.0052%); highest among the groups gnomAD compares: Non-Finnish European, 0.0066%; no homozygotes.

Submissions (2):

Ambry Genetics
Classification: Uncertain significance. Last evaluated: 2026-03-19. Review status: criteria provided, single submitter. Criteria: Ambry Variant Classification Scheme 2023. Collection method: clinical testing. Allele origin: germline.

Department of Pathology and Laboratory Medicine, Sinai Health System
Classification: Uncertain significance. Review status: no assertion criteria provided. Collection method: clinical testing. Allele origin: unknown. Affected: yes. Study: The Canadian Open Genetics Repository (COGR). Not counted in ClinVar's aggregate classification.
Comment: The MUC5B p.Ser1476Leu variant was not identified in the literature nor was it identified in ClinVar or LOVD 3.0 databases. The variant was identified in dbSNP (ID: rs374072351) and in Cosmic (FATHMM prediction of Neutral; score 0.21). The variant was also identified in control databases in 6 of 261492 chromosomes at a frequency of 0.000023 (Genome Aggregation Database Feb 27, 2017). The variant was observed in the following populations: European (non-Finnish) in 6 of 118446 chromosomes (freq: 0.000051), while the variant was not observed in the African, Latino, Ashkenazi Jewish, East Asian, European (Finnish), South Asian or other populations. The variant occurs outside of the splicing consensus sequence and in silico or computational prediction software programs (SpliceSiteFinder, MaxEntScan, NNSPLICE, GeneSplicer) do not predict a difference in splicing at the variant location. The p.Ser1476 residue is not conserved in mammals and computational analyses (PolyPhen-2, SIFT, AlignGVGD, BLOSUM, MutationTaster) provide inconsistent predictions regarding the impact to the protein; this information is not very predictive of pathogenicity. In summary, based on the above information the clinical significance of this variant cannot be determined with certainty at this time. This variant is classified as a variant of uncertain significance.

NM_002458.3(MUC5B):c.4427C>T (p.Ser1476Leu)

Gene: MUC5B (mucin 5B, oligomeric mucus/gel-forming; plus strand). Cytogenetic location: 11p15.5.
Variant type: single nucleotide variant.
Coding change: c.4427C>T on transcript NM_002458.3 (MANE Select); coding-DNA position 4427, C replaced by T.
Protein change: p.Ser1476Leu; replaces serine 1476 with leucine.
Molecular consequence: missense variant.
Genome position (GRCh38, 1-based): chr11:1,241,307, C>T. VCF-style: chr11-1241307-C-T. GRCh37 (hg19) VCF-style: chr11-1262537-C-T.
Other names: c.4427C>T (NM_002458.2); short protein forms S1476L.
Identifiers: ClinVar variation 1050734 (VCV001050734.5), dbSNP rs374072351, ClinGen allele CA5805415.